The following is an entry in ClinVar:

ClinVar aggregate classification (germline): Uncertain significance (1 of 4 stars; one submission).

Conditions:
Inborn genetic diseases. Identifiers: MedGen C0950123, MeSH D030342.

gnomAD v4.1: 5 of 1,610,326 alleles (0.00031%); highest among the groups gnomAD compares: East Asian, 0.0022%; no homozygotes.

Submission:

Ambry Genetics
Classification: Uncertain significance for Inborn genetic diseases. Last evaluated: 2025-10-17. Review status: criteria provided, single submitter. Criteria: Ambry Variant Classification Scheme 2023. Collection method: clinical testing. Allele origin: germline.
Comment: The c.6247C>T (p.R2083W) alteration is located in exon 47 (coding exon 47) of the CACNA1E gene. This alteration results from a C to T substitution at nucleotide position 6247, causing the arginine (R) at amino acid position 2083 to be replaced by a tryptophan (W). Based on data from gnomAD, the T allele has an overall frequency of <0.001% (0/247130) total alleles studied. The highest observed frequency was <0.001% (/) of alleles. Based on insufficient or conflicting evidence, the clinical significance of this alteration remains unclear.

NM_001205293.3(CACNA1E):c.6247C>T (p.Arg2083Trp)

Gene: CACNA1E (calcium voltage-gated channel subunit alpha1 E; plus strand). Cytogenetic location: 1q25.3.
Variant type: single nucleotide variant.
Coding change: c.6247C>T on transcript NM_001205293.3 (MANE Select); coding-DNA position 6247, C replaced by T.
Protein change: p.Arg2083Trp; replaces arginine 2083 with tryptophan.
Molecular consequence: missense variant.
Genome position (GRCh38, 1-based): chr1:181,796,706, C>T. VCF-style: chr1-181796706-C-T. GRCh37 (hg19) VCF-style: chr1-181765842-C-T.
Other names: c.6061C>T, p.Arg2021Trp (NM_001205294.2); c.6118C>T, p.Arg2040Trp (NM_000721.4); short protein forms R2083W, R2040W, R2021W.
Identifiers: ClinVar variation 4602756 (VCV004602756.1).